The following is an entry in ClinVar:

NM_006493.4(CLN5):c.173+14C>T

Genes: CLN5 (CLN5 lysosomal BMP synthase; plus strand), LOC130009913 (ATAC-STARR-seq lymphoblastoid silent region 5414; plus strand). Cytogenetic location: 13q22.3.
Variant type: single nucleotide variant.
Coding change: c.173+14C>T on transcript NM_006493.4 (MANE Select); 14 bases into the intron after coding-DNA position 173, C replaced by T.
Molecular consequence: intron variant.
Genome position (GRCh38, 1-based): chr13:76,992,285, C>T. VCF-style: chr13-76992285-C-T. GRCh37 (hg19) VCF-style: chr13-77566420-C-T.
Other names: c.320+14C>T (LRG_692t1); c.173+14C>T (NM_001366624.2).
Identifiers: ClinVar variation 377690 (VCV000377690.9), dbSNP rs757017201, ClinGen allele CA7007147.

ClinVar aggregate classification (germline): Benign/Likely benign. Review status: criteria provided, multiple submitters, no conflicts (2 of 4 stars). 2 submissions from 2 submitters: Benign (1); Likely benign (1). Last evaluated 2026-01-24.

Conditions:
Neuronal ceroid lipofuscinosis. Also called: Neuronal Ceroid Lipofuscinoses. Identifiers: Orphanet 216, Orphanet 79263, MedGen C0027877, MONDO:0016295. Disease mechanism: loss of function.

Allele frequency attached by ClinVar (database versions not stated): gnomAD 0.00001 and 0.00002; gnomAD exomes 0.00002 and 0.00006; TOPMed 0.00002; ExAC 0.00004; 1000 Genomes Project 30x 0.00016.

Submissions (2):

Labcorp Genetics (formerly Invitae), Labcorp
Classification: Likely benign for Neuronal ceroid lipofuscinosis. Last evaluated: 2026-01-24. Review status: criteria provided, single submitter. Criteria: Invitae Variant Classification Sherloc (09022015). Collection method: clinical testing. Allele origin: germline.

GeneDx
Classification: Benign. Last evaluated: 2015-07-28. Review status: criteria provided, single submitter. Criteria: GeneDx Variant Classification (06012015). Collection method: clinical testing. Allele origin: germline. Affected: yes.
Comment: This variant is considered likely benign or benign based on one or more of the following criteria: it is a conservative change, it occurs at a poorly conserved position in the protein, it is predicted to be benign by multiple in silico algorithms, and/or has population frequency not consistent with disease.